The following is an entry in ClinVar:

NM_000245.4(MET):c.2373A>G (p.Gln791=)

Gene: MET (MET proto-oncogene, receptor tyrosine kinase; plus strand). Cytogenetic location: 7q31.2.
Variant type: single nucleotide variant.
Coding change: c.2373A>G on transcript NM_000245.4 (MANE Select); coding-DNA position 2373, A replaced by G.
Protein change: p.Gln791=; no amino-acid change (glutamine 791 retained).
Molecular consequence: synonymous variant.
Genome position (GRCh38, 1-based): chr7:116,763,058, A>G. VCF-style: chr7-116763058-A-G. GRCh37 (hg19) VCF-style: chr7-116403112-A-G.
Other names: c.2427A>G, p.Gln809= (NM_001127500.3); c.2373A>G, p.Gln791= (NM_001324401.3); c.1083A>G, p.Gln361= (NM_001324402.2).
Identifiers: ClinVar variation 1140590 (VCV001140590.12), dbSNP rs760294359, ClinGen allele CA4448482.
Genomic context (GRCh38, chr7:116,763,058, plus strand): 5'-GATGTTGCCAAGCTGTATTCTGTTTACAGTGGATAATTGTGTCTTTCTCTAGGCATGTCA[A>G]CATCGCTCTAATTCAGAGATAATCTGTTGTACCACTCCTTCCCTGCAACAGCTGAATCTG-3'
Protein context (NP_000236.2, residues 781-801): EAGRNFTVAC[Gln791=]HRSNSEIICC

ClinVar aggregate classification (germline): Benign/Likely benign. Review status: criteria provided, multiple submitters, no conflicts (2 of 4 stars). 3 submissions from 3 submitters: Benign (1); Likely benign (2). Last evaluated 2025-10-18.

Conditions:
Papillary renal cell carcinoma type 1 (RCCP1). Also called: RENAL CELL CARCINOMA, PAPILLARY, 1, SOMATIC; Renal adenocarcinoma; Renal cell carcinoma 1; Renal cell carcinoma, somatic. Identifiers: Orphanet 47044, MedGen C1336839, OMIM 605074, HP:0011797.
Hereditary cancer-predisposing syndrome. Also called: Hereditary Cancer Syndrome; Neoplastic Syndromes, Hereditary; Hereditary neoplastic syndrome; Tumor predisposition. Identifiers: Orphanet 140162, MedGen C0027672, MeSH D009386, MONDO:0015356.
Renal cell carcinoma. Identifiers: Orphanet 217071, MedGen C0007134, MeSH D002292, MONDO:0005086, HP:0005584.

Allele frequency attached by ClinVar (database versions not stated): gnomAD exomes 0.00002; ExAC 0.00003.
gnomAD v4.1: 12 of 1,613,900 alleles (0.00074%); highest among the groups gnomAD compares: East Asian, 0.027%; no homozygotes.

Submissions (3):

Labcorp Genetics (formerly Invitae), Labcorp
Classification: Likely benign for Renal cell carcinoma. Last evaluated: 2025-10-18. Review status: criteria provided, single submitter. Criteria: Invitae Variant Classification Sherloc (09022015). Collection method: clinical testing. Allele origin: germline.

Myriad Genetics, Inc.
Classification: Benign for Papillary renal cell carcinoma type 1. Last evaluated: 2024-11-11. Review status: criteria provided, single submitter. Criteria: Myriad Autosomal Dominant, Autosomal Recessive and X-Linked Classification Criteria (2023). Collection method: clinical testing. Allele origin: unknown.
Comment: This variant is considered benign. This variant is a silent/synonymous amino acid change and it is not expected to impact splicing.

Ambry Genetics
Classification: Likely benign for Hereditary cancer-predisposing syndrome. Last evaluated: 2021-04-19. Review status: criteria provided, single submitter. Criteria: Ambry Variant Classification Scheme 2023. Collection method: clinical testing. Allele origin: germline.